The following is an entry in ClinVar:

ClinVar aggregate classification (germline): Uncertain significance (1 of 4 stars; one submission).

Allele frequency attached by ClinVar (database versions not stated): TOPMed 0.00002.
gnomAD v4.1: 2 of 1,608,512 alleles (0.00012%); highest among the groups gnomAD compares: African/African-American, 0.0013%; no homozygotes.

Submission:

Labcorp Genetics (formerly Invitae), Labcorp
Classification: Uncertain significance. Last evaluated: 2021-05-17. Review status: criteria provided, single submitter. Criteria: Invitae Variant Classification Sherloc (09022015). Collection method: clinical testing. Allele origin: germline.
Comment: This sequence change replaces alanine with threonine at codon 2351 of the VPS13A protein (p.Ala2351Thr). The alanine residue is weakly conserved and there is a small physicochemical difference between alanine and threonine. This variant is not present in population databases (ExAC no frequency). This variant has not been reported in the literature in individuals with VPS13A-related conditions. Algorithms developed to predict the effect of missense changes on protein structure and function output the following: SIFT: "Tolerated"; PolyPhen-2: "Benign"; Align-GVGD: "Class C0". The threonine amino acid residue is found in multiple mammalian species, suggesting that this missense change does not adversely affect protein function. These predictions have not been confirmed by published functional studies and their clinical significance is uncertain. In summary, the available evidence is currently insufficient to determine the role of this variant in disease. Therefore, it has been classified as a Variant of Uncertain Significance.

NM_033305.3(VPS13A):c.7051G>A (p.Ala2351Thr)

Gene: VPS13A (vacuolar protein sorting 13 homolog A; plus strand). Cytogenetic location: 9q21.2.
Variant type: single nucleotide variant.
Coding change: c.7051G>A on transcript NM_033305.3 (MANE Select); coding-DNA position 7051, G replaced by A.
Protein change: p.Ala2351Thr; replaces alanine 2351 with threonine.
Molecular consequence: missense variant.
Genome position (GRCh38, 1-based): chr9:77,344,177, G>A. VCF-style: chr9-77344177-G-A. GRCh37 (hg19) VCF-style: chr9-79959093-G-A.
Other names: c.6934G>A, p.Ala2312Thr (NM_001018037.2); c.7051G>A, p.Ala2351Thr (NM_001018038.3, NM_015186.4); short protein forms A2351T, A2312T.
Identifiers: ClinVar variation 2148065 (VCV002148065.1), dbSNP rs1202040271, ClinGen allele CA373852907.
Genomic context (GRCh38, chr9:77,344,177, plus strand): 5'-GTTTATTTTTATAAACATATATAATGTATATTTTAGTGTATCCCCTTTTGGCCTGAGTAT[G>A]CTTCTAGTAAACTTCTTATTCAAGTCGAAAGGAGTGAAGATCCTCCCAAAAGGATATATT-3'
Protein context (NP_150648.2, residues 2341-2361): EQCIPFWPEY[Ala2351Thr]SSKLLIQVER